The following is an entry in ClinVar:

ClinVar aggregate classification (germline): Uncertain significance (1 of 4 stars; one submission).

Conditions:
Developmental and epileptic encephalopathy 94 (DEE94). Also called: Epileptic encephalopathy, childhood-onset; CHD2-Related Neurodevelopmental Disorders. Identifiers: Orphanet 1942, Orphanet 2382, MedGen C3809278, MONDO:0014150, OMIM 615369.

Submission:

Labcorp Genetics (formerly Invitae), Labcorp
Classification: Uncertain significance for Developmental and epileptic encephalopathy 94. Last evaluated: 2024-12-18. Review status: criteria provided, single submitter. Criteria: Invitae Variant Classification Sherloc (09022015). Collection method: clinical testing. Allele origin: germline.
Comment: This sequence change replaces threonine, which is neutral and polar, with isoleucine, which is neutral and non-polar, at codon 164 of the CHD2 protein (p.Thr164Ile). This variant is not present in population databases (gnomAD no frequency). This variant has not been reported in the literature in individuals affected with CHD2-related conditions. Invitae Evidence Modeling of protein sequence and biophysical properties (such as structural, functional, and spatial information, amino acid conservation, physicochemical variation, residue mobility, and thermodynamic stability) indicates that this missense variant is not expected to disrupt CHD2 protein function with a negative predictive value of 95%. In summary, the available evidence is currently insufficient to determine the role of this variant in disease. Therefore, it has been classified as a Variant of Uncertain Significance.

NM_001271.4(CHD2):c.491C>T (p.Thr164Ile)

Gene: CHD2 (chromodomain helicase DNA binding protein 2; plus strand). Cytogenetic location: 15q26.1.
Variant type: single nucleotide variant.
Coding change: c.491C>T on transcript NM_001271.4 (MANE Select); coding-DNA position 491, C replaced by T.
Protein change: p.Thr164Ile; replaces threonine 164 with isoleucine.
Molecular consequence: missense variant.
Genome position (GRCh38, 1-based): chr15:92,937,565, C>T. VCF-style: chr15-92937565-C-T. GRCh37 (hg19) VCF-style: chr15-93480795-C-T.
Other names: c.491C>T, p.Thr164Ile (NM_001042572.3); short protein forms T164I.
Identifiers: ClinVar variation 3636663 (VCV003636663.2).
Genomic context (GRCh38, chr15:92,937,565, plus strand): 5'-CTTTTGATCACAGAGAAAAATGGAAACAGGAACCCTCAGAAGATGAACAGGAACAAGGCA[C>T]CAGTGCAGAGAGTGAGCCAGAACAAAAAAAAGTAAAAGCCAGAAGACCTGTCCCCAGAAG-3'
Protein context (NP_001262.3, residues 154-174): EPSEDEQEQG[Thr164Ile]SAESEPEQKK